The following is an entry in ClinVar:

Conditions:
Breast-ovarian cancer, familial, susceptibility to, 1 (BROVCA1). Also called: BRCA1 Hereditary Breast and Ovarian Cancer; OVARIAN CANCER, SUSCEPTIBILITY TO. Identifiers: Orphanet 145, MedGen C2676676, MONDO:0011450, OMIM 604370. Disease mechanism: loss of function.

Submission:

Brotman Baty Institute, University of Washington
No classification provided (evidence only). Condition: Breast-ovarian cancer, familial 1. Review status: no classification provided. Collection method: in vitro. Allele origin: not applicable. Functional consequence: functionally_normal.
ClinVar note: "not provided" was previously submitted as the classification for the variant. However, the classification appeared to be based only on an observation of functional data so it was converted to no classification on 2025-07-30.

NM_007294.4(BRCA1):c.5153-14T>A

Gene: BRCA1 (BRCA1 DNA repair associated; minus strand). Cytogenetic location: 17q21.31.
Variant type: single nucleotide variant.
Coding change: c.5153-14T>A on transcript NM_007294.4 (MANE Select); 14 bases into the intron before coding-DNA position 5153, T replaced by A.
Molecular consequence: intron variant.
Genome position (GRCh38, 1-based): chr17:43,063,387, A>T on the plus strand (T>A on the coding strand, the complement: BRCA1 is on the minus strand). VCF-style: chr17-43063387-A-T. GRCh37 (hg19) VCF-style: chr17-41215404-A-T.
Other names: c.1700-14T>A (NM_001408458.1, NM_001408461.1, NM_001408464.1 and 7 more transcripts); c.4262-14T>A (NM_001407967.1); c.4772-14T>A (NM_001407959.1); c.4886-14T>A (NM_001407931.1, NM_001407932.1, NM_001407928.1 and 4 more transcripts); c.5009-14T>A (NM_001407747.1, NM_001407745.1, NM_001407737.1 and 21 more transcripts); c.4769-14T>A (NM_001407962.1, NM_001407960.1); c.1340-14T>A (NM_001408512.1); c.1463-14T>A (NM_001408510.1); and 72 more.
Identifiers: ClinVar variation 867736 (VCV000867736.3), dbSNP rs2051875817, ClinGen allele CA916080070.